The following is an entry in ClinVar:

NM_013276.4(SHPK):c.245G>A (p.Arg82Gln)

Gene: SHPK (sedoheptulokinase; minus strand). Cytogenetic location: 17p13.2.
Variant type: single nucleotide variant.
Coding change: c.245G>A on transcript NM_013276.4 (MANE Select); coding-DNA position 245, G replaced by A.
Protein change: p.Arg82Gln; replaces arginine 82 with glutamine.
Molecular consequence: missense variant.
Genome position (GRCh38, 1-based): chr17:3,630,270, C>T on the plus strand (G>A on the coding strand, the complement: SHPK is on the minus strand). VCF-style: chr17-3630270-C-T. GRCh37 (hg19) VCF-style: chr17-3533564-C-T.
Other names: short protein forms R82Q.
Identifiers: ClinVar variation 1903992 (VCV001903992.6), dbSNP rs753639475, ClinGen allele CA8291402.

ClinVar aggregate classification (germline): Conflicting classifications of pathogenicity. Review status: criteria provided, conflicting classifications (1 of 4 stars). 2 submissions from 2 submitters: Uncertain significance (1); Likely benign (1). Last evaluated 2026-01-05.

Allele frequency attached by ClinVar (database versions not stated): TOPMed 0.00001; ExAC 0.00002; gnomAD 0.00002; gnomAD exomes 0.00002.

Submissions (2):

Labcorp Genetics (formerly Invitae), Labcorp
Classification: Uncertain significance. Last evaluated: 2026-01-05. Review status: criteria provided, single submitter. Criteria: Invitae Variant Classification Sherloc (09022015). Collection method: clinical testing. Allele origin: germline.
Comment: This sequence change replaces arginine, which is basic and polar, with glutamine, which is neutral and polar, at codon 82 of the SHPK protein (p.Arg82Gln). This variant is present in population databases (rs753639475, gnomAD 0.01%). This variant has not been reported in the literature in individuals affected with SHPK-related conditions. ClinVar contains an entry for this variant (Variation ID: 1903992). An algorithm developed to predict the effect of missense changes on protein structure and function outputs the following: PolyPhen-2: "Benign". The glutamine amino acid residue is found in multiple mammalian species, which suggests that this missense change does not adversely affect protein function. In summary, the available evidence is currently insufficient to determine the role of this variant in disease. Therefore, it has been classified as a Variant of Uncertain Significance.

Ambry Genetics
Classification: Likely benign. Last evaluated: 2022-09-27. Review status: criteria provided, single submitter. Criteria: Ambry Variant Classification Scheme 2023. Collection method: clinical testing. Allele origin: germline.